The following is an entry in ClinVar:

ClinVar aggregate classification (germline): Uncertain significance. Review status: criteria provided, multiple submitters, no conflicts (2 of 4 stars). 3 submissions from 3 submitters: Uncertain significance (2). 1 of the submissions does not count toward it. Last evaluated 2022-05-29.

Conditions:
Neuromuscular disease caused by qualitative or quantitative defects of dysferlin. Also called: Dysferlinopathy; Qualitative or quantitative defects of dysferlin. Identifiers: Orphanet 207073, MedGen C2931687, MONDO:0016145.
Autosomal recessive limb-girdle muscular dystrophy type 2B (LGMDR2). Also called: MUSCULAR DYSTROPHY, LIMB-GIRDLE, AUTOSOMAL RECESSIVE 2; MUSCULAR DYSTROPHY, LIMB-GIRDLE, TYPE 3; Limb-girdle muscular dystrophy, type 2B; Limb-Girdle Muscular Dystrophy Type 2B (LGMD2B). Identifiers: Orphanet 268, MedGen C1850889, MONDO:0009676, OMIM 253601.

Allele frequency attached by ClinVar (database versions not stated): gnomAD exomes 0.00001 and 0.00002; gnomAD 0.00002; TOPMed 0.00002.

Submissions (3):

Labcorp Genetics (formerly Invitae), Labcorp
Classification: Uncertain significance for Neuromuscular disease caused by qualitative or quantitative defects of dysferlin. Last evaluated: 2022-05-29. Review status: criteria provided, single submitter. Criteria: Invitae Variant Classification Sherloc (09022015). Collection method: clinical testing. Allele origin: germline.
Comment: This sequence change replaces lysine, which is basic and polar, with threonine, which is neutral and polar, at codon 546 of the DYSF protein (p.Lys546Thr). This variant is present in population databases (rs561875696, gnomAD 0.003%). This variant has not been reported in the literature in individuals affected with DYSF-related conditions. ClinVar contains an entry for this variant (Variation ID: 450733). Algorithms developed to predict the effect of missense changes on protein structure and function are either unavailable or do not agree on the potential impact of this missense change (SIFT: "Deleterious"; PolyPhen-2: "Probably Damaging"; Align-GVGD: "Class C0"). In summary, the available evidence is currently insufficient to determine the role of this variant in disease. Therefore, it has been classified as a Variant of Uncertain Significance.

GeneDx
Classification: Uncertain significance. Last evaluated: 2017-07-19. Review status: criteria provided, single submitter. Criteria: GeneDx Variant Classification (06012015). Collection method: clinical testing. Allele origin: germline. Affected: yes.
Comment: The K546T variant has not been published as a pathogenic variant, nor has it been reported as a benign variant to our knowledge. The K546T variant is not observed in large population cohorts (Lek et al., 2016; 1000 Genomes Consortium et al., 2015; Exome Variant Server). This variant is a semi-conservative amino acid substitution, which may impact secondary protein structure as these residues differ in some properties. This substitution occurs at a position that is conserved across species, and in silico analysis predicts this variant is probably damaging to the protein structure/function. However, missense variants in nearby residues have not been reported in the Human Gene Mutation Database in association with DYSF-related disorders (Stenson et al., 2014).

Natera, Inc.
Classification: Uncertain significance for Limb-girdle muscular dystrophy type 2B. Last evaluated: 2021-07-09. Review status: no assertion criteria provided. Collection method: clinical testing. Allele origin: germline. Not counted in ClinVar's aggregate classification.

NM_001130987.2(DYSF):c.1691A>C (p.Lys564Thr)

Gene: DYSF (dysferlin; plus strand). Cytogenetic location: 2p13.2.
Variant type: single nucleotide variant.
Coding change: c.1691A>C on transcript NM_001130987.2 (MANE Select); coding-DNA position 1691, A replaced by C.
Protein change: p.Lys564Thr; replaces lysine 564 with threonine.
Molecular consequence: missense variant.
Genome position (GRCh38, 1-based): chr2:71,551,155, A>C. VCF-style: chr2-71551155-A-C. GRCh37 (hg19) VCF-style: chr2-71778285-A-C.
Other names: c.1640A>C, p.Lys547Thr (NM_001130455.2, NM_001130983.2); c.1595A>C, p.Lys532Thr (NM_001130976.2, NM_001130977.2); c.1637A>C, p.Lys546Thr (NM_001130978.2, NM_003494.4); c.1730A>C, p.Lys577Thr (NM_001130979.2); c.1688A>C, p.Lys563Thr (NM_001130980.2, NM_001130981.2); c.1733A>C, p.Lys578Thr (NM_001130982.2); c.1598A>C, p.Lys533Thr (NM_001130984.2, NM_001130986.2); c.1691A>C, p.Lys564Thr (NM_001130985.2); short protein forms K546T, K564T, K533T, K577T, K578T, K532T, K547T, K563T.
Identifiers: ClinVar variation 450733 (VCV000450733.5), dbSNP rs561875696, ClinGen allele CA49793005.